The following is an entry in ClinVar:

NM_001231.5(CASQ1):c.134G>T (p.Gly45Val)

Gene: CASQ1 (calsequestrin 1; plus strand). Cytogenetic location: 1q23.2.
Variant type: single nucleotide variant.
Coding change: c.134G>T on transcript NM_001231.5 (MANE Select); coding-DNA position 134, G replaced by T.
Protein change: p.Gly45Val; replaces glycine 45 with valine.
Molecular consequence: missense variant.
Genome position (GRCh38, 1-based): chr1:160,190,885, G>T. VCF-style: chr1-160190885-G-T. GRCh37 (hg19) VCF-style: chr1-160160675-G-T.
Other names: p.Gly45Val; short protein forms G45V.
Identifiers: ClinVar variation 1560538 (VCV001560538.14), dbSNP rs138101305, ClinGen allele CA1196082.
Genomic context (GRCh38, chr1:160,190,885, plus strand): 5'-TAGGGACACCCAAGTCAGGGGTACAGGGGCAGGAAGGGCTGGACTTCCCTGAGTACGATG[G>T]TGTGGACCGTGTGATCAATGTCAATGCAAAGAACTACAAGAATGTGTTCAAGAAGTATGA-3'
Protein context (NP_001222.3, residues 35-55): QEGLDFPEYD[Gly45Val]VDRVINVNAK

ClinVar aggregate classification (germline): Conflicting classifications of pathogenicity. Review status: criteria provided, conflicting classifications (1 of 4 stars). 6 submissions from 6 submitters: Uncertain significance (3); Likely benign (3). Last evaluated 2026-01-24.

Conditions:
Myopathy due to calsequestrin and SERCA1 protein overload. Also called: Myopathy, vacuolar, with casq1 aggregates. Identifiers: Orphanet 88635, MedGen C4015624, MONDO:0014546, OMIM 616231.
Inborn genetic diseases. Identifiers: MedGen C0950123, MeSH D030342.

Allele frequency attached by ClinVar (database versions not stated): 1000 Genomes Project 30x 0.00031; 1000 Genomes Project 0.00040; ESP Exome Variant Server 0.00069.

Submissions (6):

Labcorp Genetics (formerly Invitae), Labcorp
Classification: Likely benign. Last evaluated: 2026-01-24. Review status: criteria provided, single submitter. Criteria: Invitae Variant Classification Sherloc (09022015). Collection method: clinical testing. Allele origin: germline.

Mayo Clinic Laboratories, Mayo Clinic
Classification: Uncertain significance. Last evaluated: 2025-09-19. Review status: criteria provided, single submitter. Criteria: ACMG Guidelines, 2015. Collection method: clinical testing. Allele origin: germline. Observed: 1 variant allele.
Comment: BS2, PP3_moderate

Blueprint Genetics
Classification: Likely benign. Last evaluated: 2024-11-20. Review status: criteria provided, single submitter. Criteria: ACMG Guidelines, 2015. Collection method: clinical testing. Allele origin: germline.

Revvity Omics, Revvity
Classification: Uncertain significance for Myopathy due to calsequestrin and SERCA1 protein overload. Last evaluated: 2024-08-09. Review status: criteria provided, single submitter. Criteria: ACMG Guidelines, 2015. Collection method: clinical testing. Allele origin: germline.

Ambry Genetics
Classification: Uncertain significance for Inborn genetic diseases. Last evaluated: 2024-01-01. Review status: criteria provided, single submitter. Criteria: Ambry Variant Classification Scheme 2023. Collection method: clinical testing. Allele origin: germline.
Comment: The p.G45V variant (also known as c.134G>T), located in coding exon 1 of the CASQ1 gene, results from a G to T substitution at nucleotide position 134. The glycine at codon 45 is replaced by valine, an amino acid with dissimilar properties. This amino acid position is conserved. In addition, this alteration is predicted to be deleterious by in silico analysis. Since supporting evidence is limited at this time, the clinical significance of this alteration remains unclear.

Breakthrough Genomics
Classification: Likely benign. Review status: criteria provided, single submitter. Criteria: ACMG Guidelines, 2015. Collection method: not provided. Allele origin: germline. Inheritance: Autosomal dominant inheritance. Affected: yes.